The following is an entry in ClinVar:

NM_003000.3(SDHB):c.401dup (p.Tyr134Ter)

Gene: SDHB (succinate dehydrogenase complex iron sulfur subunit B; minus strand). Cytogenetic location: 1p36.13.
Variant type: Duplication.
Coding change: c.401dup on transcript NM_003000.3 (MANE Select); coding-DNA position 401, one base duplicated (A; older notation c.401dupA).
Protein change: p.Tyr134Ter; replaces tyrosine 134 with a stop codon.
Molecular consequence: nonsense. On other transcripts: intron variant (1).
Genome position (GRCh38, 1-based): chr1:17,028,622, T duplicated on the plus strand (A on the coding strand, the reverse complement: SDHB is on the minus strand). VCF-style (leftmost placement, unchanged base first): chr1-17028621-A-AT. GRCh37 (hg19) VCF-style: chr1-17355116-A-AT.
Other names: c.369+32dup (NM_001407361.1); short protein forms Y134*.
Identifiers: ClinVar variation 4784598 (VCV004784598.1).

ClinVar aggregate classification (germline): Pathogenic (1 of 4 stars; one submission).

Conditions:
Pheochromocytoma. Also called: MAX-Related Hereditary Paraganglioma-Pheochromocytoma Syndrome. Identifiers: Orphanet 29072, MedGen C0031511, MONDO:0008233, OMIM 171300, HP:0002666.
Gastrointestinal stromal tumor. Also called: Gastrointestinal stroma tumor; Gastrointestinal stromal tumor, somatic. Identifiers: Orphanet 44890, MedGen C0238198, MeSH D046152, MONDO:0011719, OMIM 606764, HP:0100723.
Pheochromocytoma/paraganglioma syndrome 4. Also called: CAROTID BODY TUMORS AND MULTIPLE EXTRAADRENAL PHEOCHROMOCYTOMAS; PARAGANGLIOMA, FAMILIAL MALIGNANT; PARAGANGLIOMAS, HEREDITARY EXTRAADRENAL; PHEOCHROMOCYTOMA, FAMILIAL EXTRAADRENAL; Paragangliomas 4; SDHB-Related Hereditary Paraganglioma-Pheochromocytoma Syndrome (Paragangliomas 4). Identifiers: Orphanet 29072, MedGen C1861848, MONDO:0007273, OMIM 115310.

Submission:

Labcorp Genetics (formerly Invitae), Labcorp
Classification: Pathogenic for Gastrointestinal stromal tumor; Pheochromocytoma/paraganglioma syndrome 4; Pheochromocytoma. Last evaluated: 2025-06-03. Review status: criteria provided, single submitter. Criteria: Invitae Variant Classification Sherloc (09022015). Collection method: clinical testing. Allele origin: germline.
Comment: This sequence change creates a premature translational stop signal (p.Tyr134*) in the SDHB gene. It is expected to result in an absent or disrupted protein product. Loss-of-function variants in SDHB are known to be pathogenic (PMID: 19454582, 19802898). This variant is not present in population databases (gnomAD no frequency). This variant has not been reported in the literature in individuals affected with SDHB-related conditions. Algorithms developed to predict the effect of sequence changes on RNA splicing suggest that this variant may disrupt the consensus splice site. For these reasons, this variant has been classified as Pathogenic.

Literature cited by the submitters: PubMed 19454582; PubMed 19802898.